The following is an entry in ClinVar:

NM_004385.5(VCAN):c.2441C>T (p.Pro814Leu)

Gene: VCAN (versican; plus strand). Cytogenetic location: 5q14.3.
Variant type: single nucleotide variant.
Coding change: c.2441C>T on transcript NM_004385.5 (MANE Select); coding-DNA position 2441, C replaced by T.
Protein change: p.Pro814Leu; replaces proline 814 with leucine.
Molecular consequence: missense variant. On other transcripts: intron variant (2).
Genome position (GRCh38, 1-based): chr5:83,520,747, C>T. VCF-style: chr5-83520747-C-T. GRCh37 (hg19) VCF-style: chr5-82816566-C-T.
Other names: c.2441C>T, p.Pro814Leu (NM_001164098.2); c.1042+8351C>T (NM_001164097.2, NM_001126336.3); short protein forms P814L.
Identifiers: ClinVar variation 1907944 (VCV001907944.5), dbSNP rs925918185, ClinGen allele CA121792272.

ClinVar aggregate classification (germline): Uncertain significance (1 of 4 stars; one submission).

Allele frequency attached by ClinVar (database versions not stated): TOPMed 0.00001; gnomAD 0.00002.

Submission:

Labcorp Genetics (formerly Invitae), Labcorp
Classification: Uncertain significance. Last evaluated: 2022-10-13. Review status: criteria provided, single submitter. Criteria: Invitae Variant Classification Sherloc (09022015). Collection method: clinical testing. Allele origin: germline.
Comment: This sequence change replaces proline, which is neutral and non-polar, with leucine, which is neutral and non-polar, at codon 814 of the VCAN protein (p.Pro814Leu). In summary, the available evidence is currently insufficient to determine the role of this variant in disease. Therefore, it has been classified as a Variant of Uncertain Significance. Algorithms developed to predict the effect of missense changes on protein structure and function output the following: SIFT: "Deleterious"; PolyPhen-2: "Benign"; Align-GVGD: "Class C65". The leucine amino acid residue is found in multiple mammalian species, which suggests that this missense change does not adversely affect protein function. This variant has not been reported in the literature in individuals affected with VCAN-related conditions. This variant is present in population databases (no rsID available, gnomAD 0.02%).